The following is an entry in ClinVar:

ClinVar aggregate classification (germline): Likely benign (1 of 4 stars; one submission).

Submission:

GeneDx
Classification: Likely benign. Last evaluated: 2016-10-10. Review status: criteria provided, single submitter. Criteria: GeneDx Variant Classification (06012015). Collection method: clinical testing. Allele origin: germline. Affected: yes.
Comment: This variant is considered likely benign or benign based on one or more of the following criteria: it is a conservative change, it occurs at a poorly conserved position in the protein, it is predicted to be benign by multiple in silico algorithms, and/or has population frequency not consistent with disease.

NM_017617.5(NOTCH1):c.3643+8C>G

Gene: NOTCH1 (notch receptor 1; minus strand). Cytogenetic location: 9q34.3.
Variant type: single nucleotide variant.
Coding change: c.3643+8C>G on transcript NM_017617.5 (MANE Select); 8 bases into the intron after coding-DNA position 3643, C replaced by G.
Molecular consequence: intron variant.
Genome position (GRCh38, 1-based): chr9:136,507,297, G>C on the plus strand (C>G on the coding strand, the complement: NOTCH1 is on the minus strand). VCF-style: chr9-136507297-G-C. GRCh37 (hg19) VCF-style: chr9-139401749-G-C.
Other names: c.3643+8C>G (LRG_1122t1).
Identifiers: ClinVar variation 389829 (VCV000389829.1), dbSNP rs1057523546, ClinGen allele CA16605475.